The following is an entry in ClinVar:

NM_001136018.4(EPHX1):c.183+1G>A

Gene: EPHX1 (epoxide hydrolase 1; plus strand). Cytogenetic location: 1q42.12.
Variant type: single nucleotide variant.
Coding change: c.183+1G>A on transcript NM_001136018.4 (MANE Select); the canonical splice donor site of the intron after coding-DNA position 183, G replaced by A.
Molecular consequence: splice donor variant. On other transcripts: intron variant (1).
Genome position (GRCh38, 1-based): chr1:225,828,913, G>A. VCF-style: chr1-225828913-G-A. GRCh37 (hg19) VCF-style: chr1-226016614-G-A.
Other names: c.183+1G>A (NM_001291163.2, NM_001378426.1, NM_001378429.1 and 5 more transcripts); c.156+28G>A (NM_001378428.1).
Identifiers: ClinVar variation 4978624 (VCV004978624.1).
Genomic context (GRCh38, chr1:225,828,913, plus strand): 5'-GCCAGGGAGGACGACAGCATCCGCCCTTTCAAGGTGGAAACGTCAGATGAGGAGATCCAC[G>A]TAAGGCACCTTGGGCCGGGCCGGGCTGGGCAGTGGAGAGGGTGGTGTGTCGAAGACAGGG-3'

ClinVar aggregate classification (germline): Uncertain significance (1 of 4 stars; one submission).

Conditions:
EPHX1-related disorder. Also called: EPHX1-related condition.

gnomAD v4.1: 19 of 1,569,088 alleles (0.0012%); highest among the groups gnomAD compares: Non-Finnish European, 0.0016%; no homozygotes.

Submission:

PreventionGenetics, part of Exact Sciences
Classification: Uncertain significance for EPHX1-related condition. Last evaluated: 2026-07-20. Review status: criteria provided, single submitter. Criteria: ACMG Guidelines, 2015. Collection method: clinical testing. Allele origin: germline.
Comment: The EPHX1 c.183+1G>A variant is predicted to disrupt the GT donor site and interfere with normal splicing. This variant is predicted to impact splicing by one available splicing algorithm (SpliceAI, Jaganathan et al. 2019. PubMed ID: 30661751). To our knowledge, this variant has not been reported in the literature. This variant is reported in 0.0014% of alleles in individuals of European (Non-Finnish) descent in gnomAD. At this time, the clinical significance of this variant is uncertain due to the absence of conclusive functional and genetic evidence.